The following is an entry in ClinVar:

NM_001060.6(TBXA2R):c.120C>T (p.Ala40=)

Gene: TBXA2R (thromboxane A2 receptor; minus strand). Cytogenetic location: 19p13.3.
Variant type: single nucleotide variant.
Coding change: c.120C>T on transcript NM_001060.6 (MANE Select); coding-DNA position 120, C replaced by T.
Protein change: p.Ala40=; no amino-acid change (alanine 40 retained).
Molecular consequence: synonymous variant.
Genome position (GRCh38, 1-based): chr19:3,600,515, G>A on the plus strand (C>T on the coding strand, the complement: TBXA2R is on the minus strand). VCF-style: chr19-3600515-G-A. GRCh37 (hg19) VCF-style: chr19-3600513-G-A.
Other names: c.120C>T, p.Ala40= (NM_201636.3); c.120C>T (NM_201636.2).
Identifiers: ClinVar variation 2693822 (VCV002693822.5), dbSNP rs201579602, ClinGen allele CA9080930.
Genomic context (GRCh38, chr19:3,600,515, plus strand): 5'-GCGCGTGTGCGAACCCCCCTGCCGCGCGCCCGCCAGCACGCTCAGGGCCAGCAGGTTGGA[G>A]GCCAGGCCCACCACGCAGAAGGAGGCGGCGAACCAGGGCGAGGCGATCAGCCGTCTCTCC-3'
Protein context (NP_001051.1, residues 30-50): FAASFCVVGL[Ala40=]SNLLALSVLA

ClinVar aggregate classification (germline): Likely benign. Review status: criteria provided, single submitter (1 of 4 stars). 2 submissions from 2 submitters: Likely benign (1). 1 of the submissions does not count toward it. Last evaluated 2025-11-19.

Conditions:
TBXA2R-related disorder. Also called: TBXA2R-related condition.

Allele frequency attached by ClinVar (database versions not stated): gnomAD exomes 0.00003; gnomAD 0.00005; ExAC 0.00006; TOPMed 0.00006.
gnomAD v4.1: 63 of 1,612,394 alleles (0.0039%); highest among the groups gnomAD compares: Middle Eastern, 0.2%; 1 homozygote.

Submissions (2):

Labcorp Genetics (formerly Invitae), Labcorp
Classification: Likely benign. Last evaluated: 2025-11-19. Review status: criteria provided, single submitter. Criteria: Invitae Variant Classification Sherloc (09022015). Collection method: clinical testing. Allele origin: germline.

PreventionGenetics, part of Exact Sciences
Classification: Likely benign for TBXA2R-related condition. Last evaluated: 2019-11-26. Review status: no assertion criteria provided. Collection method: clinical testing. Allele origin: germline. Not counted in ClinVar's aggregate classification.
Comment: This variant is classified as likely benign based on ACMG/AMP sequence variant interpretation guidelines (Richards et al. 2015 PMID: 25741868, with internal and published modifications).